The following is an entry in ClinVar:

NM_004260.4(RECQL4):c.1621-2A>G

Gene: RECQL4 (RecQ like helicase 4; minus strand). Cytogenetic location: 8q24.3.
Variant type: single nucleotide variant.
Coding change: c.1621-2A>G on transcript NM_004260.4 (MANE Select); the canonical splice acceptor site of the intron before coding-DNA position 1621, A replaced by G.
Molecular consequence: splice acceptor variant.
Genome position (GRCh38, 1-based): chr8:144,514,527, T>C on the plus strand (A>G on the coding strand, the complement: RECQL4 is on the minus strand). VCF-style: chr8-144514527-T-C. GRCh37 (hg19) VCF-style: chr8-145739911-T-C.
Other names: c.1492-2A>G (NM_001413025.1); c.1270-2A>G (NM_001413029.1); c.484-2A>G (NM_001413032.1, NM_001413027.1, NM_001413031.1 and 2 more transcripts); c.550-2A>G (NM_001413035.1, NM_001413040.1, NM_001413021.1 and 7 more transcripts); c.1525-2A>G (NM_001413017.1, NM_001413020.1); c.1591-2A>G (NM_001413039.1); c.1621-2A>G (NM_001413033.1, NM_001413018.1, NM_001413036.1 and 1 more transcripts); c.154-2A>G (NM_001413043.1); and 1 more.
Identifiers: ClinVar variation 2704627 (VCV002704627.3), dbSNP rs2538046041, ClinGen allele CA372683173.

ClinVar aggregate classification (germline): Likely pathogenic (1 of 4 stars; one submission).

Conditions:
Baller-Gerold syndrome (BGS). Also called: CRANIOSYNOSTOSIS WITH RADIAL DEFECTS. Identifiers: Orphanet 1225, MedGen C0265308, MONDO:0009039, OMIM 218600.

Submission:

Labcorp Genetics (formerly Invitae), Labcorp
Classification: Likely pathogenic for Baller-Gerold syndrome. Last evaluated: 2025-08-07. Review status: criteria provided, single submitter. Criteria: Invitae Variant Classification Sherloc (09022015). Collection method: clinical testing. Allele origin: germline.
Comment: This sequence change affects a splice site in intron 9 of the RECQL4 gene. It is expected to disrupt RNA splicing. Variants that disrupt the donor or acceptor splice site typically lead to a loss of protein function (PMID: 16199547), and loss-of-function variants in RECQL4 are known to be pathogenic (PMID: 12734318, 12952869). This variant is not present in population databases (gnomAD no frequency). This variant has not been reported in the literature in individuals affected with RECQL4-related conditions. ClinVar contains an entry for this variant (Variation ID: 2704627). Algorithms developed to predict the effect of sequence changes on RNA splicing suggest that this variant may disrupt the consensus splice site. In summary, the currently available evidence indicates that the variant is pathogenic, but additional data are needed to prove that conclusively. Therefore, this variant has been classified as Likely Pathogenic.

Literature cited by the submitters: PubMed 16199547; PubMed 12734318; PubMed 12952869.